The following is an entry in ClinVar:

NM_000275.3(OCA2):c.1289G>A (p.Cys430Tyr)

Gene: OCA2 (OCA2 melanosomal transmembrane protein; minus strand). Cytogenetic location: 15q13.1.
Variant type: single nucleotide variant.
Coding change: c.1289G>A on transcript NM_000275.3 (MANE Select); coding-DNA position 1289, G replaced by A.
Protein change: p.Cys430Tyr; replaces cysteine 430 with tyrosine.
Molecular consequence: missense variant.
Genome position (GRCh38, 1-based): chr15:27,985,139, C>T on the plus strand (G>A on the coding strand, the complement: OCA2 is on the minus strand). VCF-style: chr15-27985139-C-T. GRCh37 (hg19) VCF-style: chr15-28230285-C-T.
Other names: c.1217G>A, p.Cys406Tyr (NM_001300984.2); short protein forms C406Y, C430Y.
Identifiers: ClinVar variation 1212925 (VCV001212925.4), dbSNP rs1189453897, ClinGen allele CA391360642.
Genomic context (GRCh38, chr15:27,985,139, plus strand): 5'-GTGAAGAGGAGCATGGTGGTGACGTTGTCCAAGAAGGCAGAGAGGACGGCCGCGATGAGA[C>T]AGAGCATGATGATCATGGCCCACACCCGTCCCCGGGAGAGCCGGTATGCCTGGCCACACA-3'
Protein context (NP_000266.2, residues 420-440): GRVWAMIIML[Cys430Tyr]LIAAVLSAFL

ClinVar aggregate classification (germline): Uncertain significance. Review status: criteria provided, multiple submitters, no conflicts (2 of 4 stars). 2 submissions from 2 submitters: Uncertain significance (2). Last evaluated 2024-09-09.

Allele frequency attached by ClinVar (database versions not stated): gnomAD exomes below 0.00001.

Submissions (2):

Blueprint Genetics
Classification: Uncertain significance. Last evaluated: 2024-09-09. Review status: criteria provided, single submitter. Criteria: ACMG Guidelines, 2015. Collection method: clinical testing. Allele origin: germline.

GeneDx
Classification: Uncertain significance. Last evaluated: 2020-12-16. Review status: criteria provided, single submitter. Criteria: GeneDx Variant Classification Process June 2021. Collection method: clinical testing. Allele origin: germline. Affected: yes.
Comment: Not observed in large population cohorts (Lek et al., 2016); In silico analysis, which includes protein predictors and evolutionary conservation, supports a deleterious effect; Has not been previously published as pathogenic or benign to our knowledge